The following is an entry in ClinVar:

NM_021167.5(GATAD1):c.*4A>G

Gene: GATAD1 (GATA zinc finger domain containing 1; plus strand). Cytogenetic location: 7q21.2.
Variant type: single nucleotide variant.
Coding change: c.*4A>G on transcript NM_021167.5 (MANE Select); 4 bases downstream of the stop codon, A replaced by G.
Molecular consequence: 3 prime UTR variant. On other transcripts: non-coding transcript variant (1).
Genome position (GRCh38, 1-based): chr7:92,456,566, A>G. VCF-style: chr7-92456566-A-G. GRCh37 (hg19) VCF-style: chr7-92085880-A-G.
Other names: c.*4A>G (NM_021167.4).
Identifiers: ClinVar variation 197844 (VCV000197844.6), dbSNP rs768338694, ClinGen allele CA246212.
Genomic context (GRCh38, chr7:92,456,566, plus strand): 5'-CATGTTGGGCCTACTCCTGCAATAACAATTAAGGAATCAGTTGCCAACCATTTGTAGTTC[A>G]CAAATTAAAACTGGGTTTCCAGGCCTGGTGTGGTGGCTCACGCCTGTAGCCCCAGCTATT-3'

ClinVar aggregate classification (germline): Uncertain significance. Review status: criteria provided, single submitter (1 of 4 stars). 2 submissions from 2 submitters: Uncertain significance (1). 1 of the submissions does not count toward it. Last evaluated 2014-12-16.

Conditions:
GATAD1-related disorder. Also called: GATAD1-related condition.

Allele frequency attached by ClinVar (database versions not stated): gnomAD exomes below 0.00001 and 0.00001; ExAC 0.00001; gnomAD 0.00001; TOPMed 0.00001.
gnomAD v4.1: 9 of 1,603,336 alleles (0.00056%); highest among the groups gnomAD compares: Middle Eastern, 0.017%; no homozygotes.

Submissions (2):

Eurofins Ntd Llc (ga)
Classification: Uncertain significance. Last evaluated: 2014-12-16. Review status: criteria provided, single submitter. Criteria: EGL Classification Definitions 2015. Collection method: clinical testing. Allele origin: germline. Observed: 1 variant allele, 1 heterozygote.

PreventionGenetics, part of Exact Sciences
Classification: Likely benign for GATAD1-related condition. Last evaluated: 2024-09-04. Review status: no assertion criteria provided. Collection method: clinical testing. Allele origin: germline. Not counted in ClinVar's aggregate classification.
Comment: This variant is classified as likely benign based on ACMG/AMP sequence variant interpretation guidelines (Richards et al. 2015 PMID: 25741868, with internal and published modifications).